The following is an entry in ClinVar:

ClinVar aggregate classification (germline): Uncertain significance (1 of 4 stars; one submission).

Submission:

Women's Health and Genetics/Laboratory Corporation of America, LabCorp
Classification: Uncertain significance. Last evaluated: 2026-03-11. Review status: criteria provided, single submitter. Criteria: LabCorp Variant Classification Summary - May 2015. Collection method: clinical testing. Allele origin: germline.
Comment: Variant summary: DMD c.4317A>T (p.Arg1439Ser) results in a non-conservative amino acid change in the encoded protein sequence. Algorithms developed to predict the effect of missense changes on protein structure and function are either unavailable or do not agree on the potential impact of this missense change. The variant was absent in 182629 control chromosomes. The available data on variant occurrences in the general population are insufficient to allow any conclusion about variant significance. To our knowledge, no occurrence of c.4317A>T in individuals affected with DMD-related conditions and no experimental evidence demonstrating its impact on protein function have been reported. No submitters have cited clinical-significance assessments for this variant to ClinVar. Based on the evidence outlined above, the variant was classified as uncertain significance.

NM_004006.3(DMD):c.4317A>T (p.Arg1439Ser)

Gene: DMD (dystrophin; minus strand). Cytogenetic location: Xp21.1.
Variant type: single nucleotide variant.
Coding change: c.4317A>T on transcript NM_004006.3 (MANE Select); coding-DNA position 4317, A replaced by T.
Protein change: p.Arg1439Ser; replaces arginine 1439 with serine.
Molecular consequence: missense variant.
Genome position (GRCh38, 1-based): chrX:32,390,098, T>A on the plus strand (A>T on the coding strand, the complement: DMD is on the minus strand). VCF-style: chrX-32390098-T-A. GRCh37 (hg19) VCF-style: chrX-32408215-T-A.
Other names: c.4293A>T, p.Arg1431Ser (NM_000109.4); c.4305A>T, p.Arg1435Ser (NM_004009.3); c.3948A>T, p.Arg1316Ser (NM_004010.3); c.294A>T, p.Arg98Ser (NM_004011.4); c.285A>T, p.Arg95Ser (NM_004012.4); short protein forms R1316S, R1431S, R1435S, R1439S, R95S, R98S.
Identifiers: ClinVar variation 4847317 (VCV004847317.1).